The following is an entry in ClinVar:

NM_016247.4(IMPG2):c.1873G>A (p.Ala625Thr)

Gene: IMPG2 (interphotoreceptor matrix proteoglycan 2; minus strand). Cytogenetic location: 3q12.3.
Variant type: single nucleotide variant.
Coding change: c.1873G>A on transcript NM_016247.4 (MANE Select); coding-DNA position 1873, G replaced by A.
Protein change: p.Ala625Thr; replaces alanine 625 with threonine.
Molecular consequence: missense variant.
Genome position (GRCh38, 1-based): chr3:101,244,458, C>T on the plus strand (G>A on the coding strand, the complement: IMPG2 is on the minus strand). VCF-style: chr3-101244458-C-T. GRCh37 (hg19) VCF-style: chr3-100963302-C-T.
Other names: short protein forms A625T.
Identifiers: ClinVar variation 2086123 (VCV002086123.4), dbSNP rs373893244, ClinGen allele CA2519078.
Genomic context (GRCh38, chr3:101,244,458, plus strand): 5'-CAATCTCAGCTGGCAAAAGTGAATCATCATCTTCAAGCCACGGCTTGGACAGTGGTTCAG[C>T]GCTCTTCTCTGATGAAGTCTCACTCCATGGCCAAGTAATCAGATCTACCTTTTGCCCAGA-3'
Protein context (NP_057331.2, residues 615-635): PWSETSSEKS[Ala625Thr]EPLSKPWLED

ClinVar aggregate classification (germline): Conflicting classifications of pathogenicity. Review status: criteria provided, conflicting classifications (1 of 4 stars). 2 submissions from 2 submitters: Uncertain significance (1); Likely benign (1). Last evaluated 2025-04-07.

Conditions:
Inborn genetic diseases. Identifiers: MedGen C0950123, MeSH D030342.

Allele frequency attached by ClinVar (database versions not stated): TOPMed 0.00002; ESP Exome Variant Server 0.00015.
gnomAD v4.1: 35 of 1,614,130 alleles (0.0022%); highest among the groups gnomAD compares: Admixed American, 0.013%; no homozygotes.

Submissions (2):

Labcorp Genetics (formerly Invitae), Labcorp
Classification: Uncertain significance. Last evaluated: 2025-04-07. Review status: criteria provided, single submitter. Criteria: Invitae Variant Classification Sherloc (09022015). Collection method: clinical testing. Allele origin: germline.
Comment: This sequence change replaces alanine, which is neutral and non-polar, with threonine, which is neutral and polar, at codon 625 of the IMPG2 protein (p.Ala625Thr). This variant is present in population databases (rs373893244, gnomAD 0.007%). This variant has not been reported in the literature in individuals affected with IMPG2-related conditions. ClinVar contains an entry for this variant (Variation ID: 2086123). Invitae Evidence Modeling of protein sequence and biophysical properties (such as structural, functional, and spatial information, amino acid conservation, physicochemical variation, residue mobility, and thermodynamic stability) indicates that this missense variant is not expected to disrupt IMPG2 protein function with a negative predictive value of 80%. In summary, the available evidence is currently insufficient to determine the role of this variant in disease. Therefore, it has been classified as a Variant of Uncertain Significance.

Ambry Genetics
Classification: Likely benign for Inborn genetic diseases. Last evaluated: 2022-12-27. Review status: criteria provided, single submitter. Criteria: Ambry Variant Classification Scheme 2023. Collection method: clinical testing. Allele origin: germline.